The following is an entry in ClinVar:

ClinVar aggregate classification (germline): Likely benign. Review status: criteria provided, multiple submitters, no conflicts (2 of 4 stars). 2 submissions from 2 submitters: Likely benign (2). Last evaluated 2017-04-27.

Conditions:
Behavior disorder. Also called: Behavioral disorder. Identifiers: MedGen C0004930.

Allele frequency attached by ClinVar (database versions not stated): ESP Exome Variant Server 0.00038; TOPMed 0.00157; gnomAD exomes 0.00308 and 0.00665; gnomAD 0.00450 and 0.00490; ExAC 0.00621; 1000 Genomes Project 30x 0.00671; 1000 Genomes Project 0.00859.
gnomAD v4.1: 5,237 of 1,612,818 alleles (0.32%); highest among the groups gnomAD compares: East Asian, 3.8%; 93 homozygotes.

Submissions (2):

Illumina Laboratory Services, Illumina
Classification: Likely benign for Behavior disorder. Last evaluated: 2017-04-27. Review status: criteria provided, single submitter. Criteria: ICSL Variant Classification Criteria 13 December 2019. Collection method: clinical testing. Allele origin: germline.
Comment: This variant was observed as part of a predisposition screen in an ostensibly healthy population. A literature search was performed for the gene, cDNA change, and amino acid change (where applicable). Publications were found based on this search. The evidence from the literature, in combination with allele frequency data from public databases where available, was sufficient to determine this variant is unlikely to cause disease. Therefore, this variant is classified as likely benign.

Breakthrough Genomics
Classification: Likely benign. Review status: criteria provided, single submitter. Criteria: ACMG Guidelines, 2015. Collection method: not provided. Allele origin: germline. Inheritance: Autosomal dominant inheritance. Affected: yes.

Literature cited by the submitters: PubMed 18792946 (cited by Illumina Laboratory Services, Illumina); PubMed 19360675 (cited by Illumina Laboratory Services, Illumina).

NM_001045.6(SLC6A4):c.1815A>C (p.Lys605Asn)

Gene: SLC6A4 (solute carrier family 6 member 4; minus strand). Cytogenetic location: 17q11.2.
Variant type: single nucleotide variant.
Coding change: c.1815A>C on transcript NM_001045.6 (MANE Select); coding-DNA position 1815, A replaced by C.
Protein change: p.Lys605Asn; replaces lysine 605 with asparagine.
Molecular consequence: missense variant.
Genome position (GRCh38, 1-based): chr17:30,203,175, T>G on the plus strand (A>C on the coding strand, the complement: SLC6A4 is on the minus strand). VCF-style: chr17-30203175-T-G. GRCh37 (hg19) VCF-style: chr17-28530193-T-G.
Other names: short protein forms K605N.
Identifiers: ClinVar variation 322529 (VCV000322529.6), dbSNP rs6352, ClinGen allele CA8480036.
Genomic context (GRCh38, chr17:30,203,175, plus strand): 5'-TCTCCCAAAACAATTAGTAGTCTGAACACACACATATACACACTAACTAGCACGTACCTC[T>G]TTAAATGTCCCTGGAGTGATGATCAACCGATAAGCTATATATGTGGGGATGCAAATGAAA-3'
Protein context (NP_001036.1, residues 595-615): YRLIITPGTF[Lys605Asn]ERIIKSITPE